The following is an entry in ClinVar:

NM_014946.4(SPAST):c.39C>T (p.Ser13=)

Gene: SPAST (spastin; plus strand). Cytogenetic location: 2p22.3.
Variant type: single nucleotide variant.
Coding change: c.39C>T on transcript NM_014946.4 (MANE Select); coding-DNA position 39, C replaced by T.
Protein change: p.Ser13=; no amino-acid change (serine 13 retained).
Molecular consequence: synonymous variant.
Genome position (GRCh38, 1-based): chr2:32,063,870, C>T. VCF-style: chr2-32063870-C-T. GRCh37 (hg19) VCF-style: chr2-32288939-C-T.
Other names: c.39C>T, p.Ser13= (NM_001363823.2, NM_001363875.2, NM_001377959.1 and 1 more transcripts).
Identifiers: ClinVar variation 2911738 (VCV002911738.5), dbSNP rs769680370, ClinGen allele CA1600462.

ClinVar aggregate classification (germline): Likely benign. Review status: criteria provided, multiple submitters, no conflicts (2 of 4 stars). 3 submissions from 3 submitters: Likely benign (3). Last evaluated 2026-07-01.

Conditions:
Hereditary spastic paraplegia 4. Also called: Familial spastic paraplegia autosomal dominant 2; Spastic paraplegia 4, autosomal dominant; Spastic Paraplegia 4. Identifiers: Orphanet 100985, MedGen C1866855, MONDO:0008438, OMIM 182601.

Allele frequency attached by ClinVar (database versions not stated): gnomAD 0.00002; TOPMed 0.00002; gnomAD exomes 0.00004; ExAC 0.00017.
gnomAD v4.1: 60 of 1,585,328 alleles (0.0038%); highest among the groups gnomAD compares: South Asian, 0.06%; 1 homozygote.

Submissions (3):

CeGaT Center for Human Genetics Tuebingen
Classification: Likely benign. Last evaluated: 2026-07-01. Review status: criteria provided, single submitter. Criteria: CeGaT Center For Human Genetics Tuebingen Variant Classification Criteria Version 2. Collection method: clinical testing. Allele origin: germline. Affected: yes. Observed: 1 variant allele.
Comment: SPAST: BP4, BP7

Labcorp Genetics (formerly Invitae), Labcorp
Classification: Likely benign for Hereditary spastic paraplegia 4. Last evaluated: 2024-12-22. Review status: criteria provided, single submitter. Criteria: Invitae Variant Classification Sherloc (09022015). Collection method: clinical testing. Allele origin: germline.

Blueprint Genetics
Classification: Likely benign. Last evaluated: 2022-10-11. Review status: criteria provided, single submitter. Criteria: ACMG Guidelines, 2015. Collection method: clinical testing. Allele origin: germline.